The following is an entry in ClinVar:

NM_181552.4(CUX1):c.2569A>G (p.Ser857Gly)

Gene: CUX1 (cut like homeobox 1; plus strand). Cytogenetic location: 7q22.1.
Variant type: single nucleotide variant.
Coding change: c.2569A>G on transcript NM_181552.4 (MANE Select); coding-DNA position 2569, A replaced by G.
Protein change: p.Ser857Gly; replaces serine 857 with glycine.
Molecular consequence: missense variant. On other transcripts: intron variant (5).
Genome position (GRCh38, 1-based): chr7:102,201,866, A>G. VCF-style: chr7-102201866-A-G. GRCh37 (hg19) VCF-style: chr7-101845146-A-G.
Other names: c.1117+6263A>G (NM_001202545.3); c.1207+6263A>G (NM_001202544.3); c.1138+6263A>G (NM_001202546.3); c.2602A>G, p.Ser868Gly (NM_001202543.2); c.1255+6263A>G (NM_001913.5); c.1249+6263A>G (NM_181500.4); short protein forms S857G, S868G.
Identifiers: ClinVar variation 3026143 (VCV003026143.22), dbSNP rs2485465324, ClinGen allele CA368682753.

ClinVar aggregate classification (germline): Uncertain significance (1 of 4 stars; one submission).

Allele frequency attached by ClinVar (database versions not stated): gnomAD exomes below 0.00001.
gnomAD v4.1: 1 of 1,613,418 alleles (0.000062%); highest among the groups gnomAD compares: Middle Eastern, 0.017%; no homozygotes.

Submission:

CeGaT Center for Human Genetics Tuebingen
Classification: Uncertain significance. Last evaluated: 2024-01-01. Review status: criteria provided, single submitter. Criteria: CeGaT Center For Human Genetics Tuebingen Variant Classification Criteria Version 2. Collection method: clinical testing. Allele origin: germline. Affected: yes. Observed: 2 variant alleles.
Comment: CUX1: PM2, BP4